The following is an entry in ClinVar:

ClinVar aggregate classification (germline): Uncertain significance (1 of 4 stars; one submission).

Allele frequency attached by ClinVar (database versions not stated): gnomAD exomes below 0.00001; ExAC 0.00001.
gnomAD v4.1: 4 of 1,612,588 alleles (0.00025%); highest among the groups gnomAD compares: South Asian, 0.0011%; no homozygotes.

Submission:

Labcorp Genetics (formerly Invitae), Labcorp
Classification: Uncertain significance. Last evaluated: 2022-10-05. Review status: criteria provided, single submitter. Criteria: Invitae Variant Classification Sherloc (09022015). Collection method: clinical testing. Allele origin: germline.
Comment: This sequence change replaces alanine, which is neutral and non-polar, with valine, which is neutral and non-polar, at codon 628 of the POLR1A protein (p.Ala628Val). This variant is present in population databases (rs755307240, gnomAD 0.003%). This variant has not been reported in the literature in individuals affected with POLR1A-related conditions. ClinVar contains an entry for this variant (Variation ID: 1391271). Advanced modeling of protein sequence and biophysical properties (such as structural, functional, and spatial information, amino acid conservation, physicochemical variation, residue mobility, and thermodynamic stability) performed at Invitae indicates that this missense variant is expected to disrupt POLR1A protein function. In summary, the available evidence is currently insufficient to determine the role of this variant in disease. Therefore, it has been classified as a Variant of Uncertain Significance.

NM_015425.6(POLR1A):c.1883C>T (p.Ala628Val)

Gene: POLR1A (RNA polymerase I subunit A; minus strand). Cytogenetic location: 2p11.2.
Variant type: single nucleotide variant.
Coding change: c.1883C>T on transcript NM_015425.6 (MANE Select); coding-DNA position 1883, C replaced by T.
Protein change: p.Ala628Val; replaces alanine 628 with valine.
Molecular consequence: missense variant.
Genome position (GRCh38, 1-based): chr2:86,065,449, G>A on the plus strand (C>T on the coding strand, the complement: POLR1A is on the minus strand). VCF-style: chr2-86065449-G-A. GRCh37 (hg19) VCF-style: chr2-86292572-G-A.
Other names: short protein forms A628V.
Identifiers: ClinVar variation 1391271 (VCV001391271.6), dbSNP rs755307240, ClinGen allele CA1746218.
Genomic context (GRCh38, chr2:86,065,449, plus strand): 5'-AAAAAGCAACCCCGAGTAGTCATGCTTGCCCCTGAAACCATGTGATCCTGGATCAGTCCC[G>A]CCAATGGTTGGCCATCCTATAAGCCAAAACAGACAACACAAGAAGAATGAAAATAAATCT-3'
Protein context (NP_056240.2, residues 618-638): YLVPKDGQPL[Ala628Val]GLIQDHMVSG